The following is an entry in ClinVar:

NM_014423.4(AFF4):c.3237T>C (p.Ser1079=)

Gene: AFF4 (ALF transcription elongation factor 4; minus strand). Cytogenetic location: 5q31.1.
Variant type: single nucleotide variant.
Coding change: c.3237T>C on transcript NM_014423.4 (MANE Select); coding-DNA position 3237, T replaced by C.
Protein change: p.Ser1079=; no amino-acid change (serine 1079 retained).
Molecular consequence: synonymous variant.
Genome position (GRCh38, 1-based): chr5:132,883,467, A>G on the plus strand (T>C on the coding strand, the complement: AFF4 is on the minus strand). VCF-style: chr5-132883467-A-G. GRCh37 (hg19) VCF-style: chr5-132219159-A-G.
Identifiers: ClinVar variation 3358028 (VCV003358028.1).

ClinVar aggregate classification (germline): Likely benign (0 of 4 stars; one submission).

Conditions:
AFF4-related disorder. Also called: AFF4-related condition.

gnomAD v4.1: 8 of 1,613,984 alleles (0.0005%); highest among the groups gnomAD compares: Non-Finnish European, 0.00068%; no homozygotes.

Submission:

PreventionGenetics, part of Exact Sciences
Classification: Likely benign for AFF4-related condition. Last evaluated: 2023-09-06. Review status: no assertion criteria provided. Collection method: clinical testing. Allele origin: germline.
Comment: This variant is classified as likely benign based on ACMG/AMP sequence variant interpretation guidelines (Richards et al. 2015 PMID: 25741868, with internal and published modifications).